The following is an entry in ClinVar:

NM_004946.3(DOCK2):c.5083C>G (p.Leu1695Val)

Gene: DOCK2 (dedicator of cytokinesis 2; plus strand). Cytogenetic location: 5q35.1.
Variant type: single nucleotide variant.
Coding change: c.5083C>G on transcript NM_004946.3 (MANE Select); coding-DNA position 5083, C replaced by G.
Protein change: p.Leu1695Val; replaces leucine 1695 with valine.
Molecular consequence: missense variant. On other transcripts: non-coding transcript variant (1).
Genome position (GRCh38, 1-based): chr5:170,079,063, C>G. VCF-style: chr5-170079063-C-G. GRCh37 (hg19) VCF-style: chr5-169506067-C-G.
Other names: c.5083C>G, p.Leu1695Val (LRG_1227t1); short protein forms L1695V.
Identifiers: ClinVar variation 573372 (VCV000573372.8), dbSNP rs1561911758, ClinGen allele CA362116342.
Genomic context (GRCh38, chr5:170,079,063, plus strand): 5'-ACGCCGAGAGTGGAGCAGGAGGAACCGATCTCCCCGGGGAGCACCCTGCCTGAGGTCAAG[C>G]TGCGGAGGTCCAAGAAGAGGACAAAGAGAAGCAGCGTAGTTTTTGCGGATGAGAAAGCAG-3'
Protein context (NP_004937.1, residues 1685-1705): SPGSTLPEVK[Leu1695Val]RRSKKRTKRS

ClinVar aggregate classification (germline): Uncertain significance (1 of 4 stars; one submission).

Conditions:
DOCK2 deficiency. Also called: Immunodeficiency 40. Identifiers: Orphanet 447737, MedGen C4225328, MONDO:0014637, OMIM 616433.

Submission:

Labcorp Genetics (formerly Invitae), Labcorp
Classification: Uncertain significance for DOCK2 deficiency. Last evaluated: 2017-12-22. Review status: criteria provided, single submitter. Criteria: Invitae Variant Classification Sherloc (09022015). Collection method: clinical testing. Allele origin: germline.
Comment: This variant has not been reported in the literature in individuals with DOCK2-related disease. Algorithms developed to predict the effect of missense changes on protein structure and function (SIFT, PolyPhen-2, Align-GVGD) all suggest that this variant is likely to be tolerated, but these predictions have not been confirmed by published functional studies and their clinical significance is uncertain. Algorithms developed to predict the effect of sequence changes on RNA splicing suggest that this variant may create or strengthen a splice site, but this prediction has not been confirmed by published transcriptional studies. In summary, the available evidence is currently insufficient to determine the role of this variant in disease. Therefore, it has been classified as a Variant of Uncertain Significance. This variant is not present in population databases (ExAC no frequency). This sequence change replaces leucine with valine at codon 1695 of the DOCK2 protein (p.Leu1695Val). The leucine residue is weakly conserved and there is a small physicochemical difference between leucine and valine.